The following is an entry in ClinVar:

ClinVar aggregate classification (germline): Likely pathogenic. Review status: criteria provided, single submitter (1 of 4 stars). 2 submissions from 2 submitters: Likely pathogenic (1). 1 of the submissions does not count toward it. Last evaluated 2025-03-14.

Conditions:
Combined oxidative phosphorylation deficiency 55 (COXPD55). Identifiers: MedGen C5676915, MONDO:0859228, OMIM 619743.

Allele frequency attached by ClinVar (database versions not stated): TOPMed 0.00018; gnomAD 0.00019 and 0.00020; ESP Exome Variant Server 0.00023.
gnomAD v4.1: 674 of 1,607,602 alleles (0.042%); highest among the groups gnomAD compares: Non-Finnish European, 0.054%; no homozygotes.

Submissions (2):

First Genomix Gene Laboratory, Genetic Diagnostics Department
Classification: Likely pathogenic for Combined oxidative phosphorylation deficiency 55. Last evaluated: 2025-03-14. Review status: criteria provided, single submitter. Criteria: ACMG Guidelines, 2015. Collection method: clinical testing. Allele origin: germline. Inheritance: Autosomal recessive inheritance. Affected: no. Observed: 1 variant allele.

OMIM
Classification: Pathogenic for COMBINED OXIDATIVE PHOSPHORYLATION DEFICIENCY 55. Last evaluated: 2022-02-21. Review status: no assertion criteria provided. Collection method: literature only. Allele origin: germline. Not counted in ClinVar's aggregate classification.

Literature cited by the submitters: PubMed 33602924 (cited by OMIM).

NM_005035.4(POLRMT):c.748C>G (p.His250Asp)

Gene: POLRMT (RNA polymerase mitochondrial; minus strand). Cytogenetic location: 19p13.3.
Variant type: single nucleotide variant.
Coding change: c.748C>G on transcript NM_005035.4 (MANE Select); coding-DNA position 748, C replaced by G.
Protein change: p.His250Asp; replaces histidine 250 with aspartic acid.
Molecular consequence: missense variant.
Genome position (GRCh38, 1-based): chr19:629,614, G>C on the plus strand (C>G on the coding strand, the complement: POLRMT is on the minus strand). VCF-style: chr19-629614-G-C. GRCh37 (hg19) VCF-style: chr19-629614-G-C.
Other names: short protein forms H250D.
Identifiers: ClinVar variation 1341472 (VCV001341472.3), dbSNP rs137994680, ClinGen allele CA9020647.